The following is an entry in ClinVar:

NM_002772.3(TMPRSS15):c.2781_2782del (p.Leu928fs)

Gene: TMPRSS15 (transmembrane serine protease 15; minus strand). Cytogenetic location: 21q21.1.
Variant type: Microsatellite.
Coding change: c.2781_2782del on transcript NM_002772.3 (MANE Select); coding-DNA positions 2781 to 2782, 2 bases deleted (AT; older notation c.2781_2782delAT).
Protein change: p.Leu928fs; shifts the reading frame from leucine 928.
Molecular consequence: frameshift variant.
Genome position (GRCh38, 1-based): chr21:18,275,319-18,275,320, AT deleted on the plus strand (AT on the coding strand, the reverse complement: TMPRSS15 is on the minus strand); deleting any 2 consecutive bases within chr21:18,275,319-18,275,322 gives the same sequence; the c. name uses the placement nearest the transcript's 3' end. VCF-style (leftmost placement, unchanged base first): chr21-18275318-AAT-A. GRCh37 (hg19) VCF-style: chr21-19647635-AAT-A.
Other names: c.2916_2917del, p.Leu973fs (NM_001428056.1); c.2781_2782del, p.Leu928fs (NM_001428057.1); short protein forms L928fs, L973fs.
Identifiers: ClinVar variation 3657821 (VCV003657821.2).

ClinVar aggregate classification (germline): Pathogenic (1 of 4 stars; one submission).

Submission:

Labcorp Genetics (formerly Invitae), Labcorp
Classification: Pathogenic. Last evaluated: 2024-11-04. Review status: criteria provided, single submitter. Criteria: Invitae Variant Classification Sherloc (09022015). Collection method: clinical testing. Allele origin: germline.
Comment: This sequence change creates a premature translational stop signal (p.Leu928Alafs*4) in the TMPRSS15 gene. It is expected to result in an absent or disrupted protein product. Loss-of-function variants in TMPRSS15 are known to be pathogenic (PMID: 11719902). This variant is not present in population databases (gnomAD no frequency). This variant has not been reported in the literature in individuals affected with TMPRSS15-related conditions. For these reasons, this variant has been classified as Pathogenic.

Literature cited by the submitters: PubMed 11719902.